The following is an entry in ClinVar:

ClinVar aggregate classification (germline): Uncertain significance (1 of 4 stars; one submission).

Submission:

Labcorp Genetics (formerly Invitae), Labcorp
Classification: Uncertain significance. Last evaluated: 2025-12-19. Review status: criteria provided, single submitter. Criteria: Invitae Variant Classification Sherloc (09022015). Collection method: clinical testing. Allele origin: germline.
Comment: This sequence change replaces glutamic acid, which is acidic and polar, with alanine, which is neutral and non-polar, at codon 1165 of the KMT2A protein (p.Glu1165Ala). This variant is not present in population databases (gnomAD no frequency). This variant has not been reported in the literature in individuals affected with KMT2A-related conditions. Invitae Evidence Modeling of protein sequence and biophysical properties (such as structural, functional, and spatial information, amino acid conservation, physicochemical variation, residue mobility, and thermodynamic stability) has been performed for this missense variant. However, the output from this modeling did not meet the statistical confidence thresholds required to predict the impact of this variant on KMT2A protein function. In summary, the available evidence is currently insufficient to determine the role of this variant in disease. Therefore, it has been classified as a Variant of Uncertain Significance.

NM_001197104.2(KMT2A):c.3494A>C (p.Glu1165Ala)

Gene: KMT2A (lysine methyltransferase 2A; plus strand). Cytogenetic location: 11q23.3.
Variant type: single nucleotide variant.
Coding change: c.3494A>C on transcript NM_001197104.2 (MANE Select); coding-DNA position 3494, A replaced by C.
Protein change: p.Glu1165Ala; replaces glutamic acid 1165 with alanine.
Molecular consequence: missense variant.
Genome position (GRCh38, 1-based): chr11:118,478,126, A>C. VCF-style: chr11-118478126-A-C. GRCh37 (hg19) VCF-style: chr11-118348841-A-C.
Other names: c.3593A>C, p.Glu1198Ala (NM_001412597.1); c.3494A>C, p.Glu1165Ala (NM_005933.4); short protein forms E1165A, E1198A.
Identifiers: ClinVar variation 4800531 (VCV004800531.1).